The following is an entry in ClinVar:

ClinVar aggregate classification (germline): Uncertain significance (1 of 4 stars; one submission).

Allele frequency attached by ClinVar (database versions not stated): ExAC 0.00002; gnomAD 0.00002; gnomAD exomes 0.00002.
gnomAD v4.1: 13 of 1,613,652 alleles (0.00081%); highest among the groups gnomAD compares: Non-Finnish European, 0.00017%; no homozygotes.

Submission:

Labcorp Genetics (formerly Invitae), Labcorp
Classification: Uncertain significance. Last evaluated: 2024-10-24. Review status: criteria provided, single submitter. Criteria: Invitae Variant Classification Sherloc (09022015). Collection method: clinical testing. Allele origin: germline.
Comment: This sequence change replaces threonine, which is neutral and polar, with serine, which is neutral and polar, at codon 373 of the SUGCT protein (p.Thr373Ser). This variant is present in population databases (rs749076916, gnomAD 0.02%). This variant has not been reported in the literature in individuals affected with SUGCT-related conditions. ClinVar contains an entry for this variant (Variation ID: 2134481). Experimental studies and prediction algorithms are not available or were not evaluated, and the functional significance of this variant is currently unknown. In summary, the available evidence is currently insufficient to determine the role of this variant in disease. Therefore, it has been classified as a Variant of Uncertain Significance.

NM_001193313.2(SUGCT):c.1129A>T (p.Thr377Ser)

Gene: SUGCT (succinyl-CoA:glutarate-CoA transferase; plus strand). Cytogenetic location: 7p14.1.
Variant type: single nucleotide variant.
Coding change: c.1129A>T on transcript NM_001193313.2 (MANE Select); coding-DNA position 1129, A replaced by T.
Protein change: p.Thr377Ser; replaces threonine 377 with serine.
Molecular consequence: missense variant.
Genome position (GRCh38, 1-based): chr7:40,749,473, A>T. VCF-style: chr7-40749473-A-T. GRCh37 (hg19) VCF-style: chr7-40789072-A-T.
Other names: c.1207A>T, p.Thr403Ser (NM_001193311.2); c.985A>T, p.Thr329Ser (NM_001193312.2); c.1096A>T, p.Thr366Ser (NM_024728.3); short protein forms T366S, T377S, T403S, T329S.
Identifiers: ClinVar variation 2134481 (VCV002134481.4), dbSNP rs749076916, ClinGen allele CA4229741.
Genomic context (GRCh38, chr7:40,749,473, plus strand): 5'-TCTCTGTTTTTGCCTTTTCAGGTATTACACAATGGCCTCGTTATGGAGATGGAGCATCCA[A>T]CTGTGGGGAAGATTTCCGTCCCAGGTCTGAAAAGTTTTGGTATTTTCTCTAGCACCTTTC-3'
Protein context (NP_001180242.2, residues 367-387): NGLVMEMEHP[Thr377Ser]VGKISVPGPA